The following is an entry in ClinVar:

ClinVar aggregate classification (germline): Conflicting classifications of pathogenicity. Review status: criteria provided, conflicting classifications (1 of 4 stars). 5 submissions from 5 submitters: Uncertain significance (3); Likely benign (1). 1 of the submissions does not count toward it. Last evaluated 2026-01-28.

Conditions:
POLE-related disorder. Also called: POLE-related disorders; POLE-related condition.
Hereditary cancer-predisposing syndrome. Also called: Hereditary Cancer Syndrome; Hereditary neoplastic syndrome; Neoplastic Syndromes, Hereditary; Tumor predisposition. Identifiers: Orphanet 140162, MedGen C0027672, MeSH D009386, MONDO:0015356.

Allele frequency attached by ClinVar (database versions not stated): ExAC 0.00001; gnomAD 0.00001; TOPMed 0.00001; gnomAD exomes 0.00002 and 0.00004.
gnomAD v4.1: 57 of 1,613,102 alleles (0.0035%); highest among the groups gnomAD compares: East Asian, 0.0089%; no homozygotes.

Submissions (5):

Labcorp Genetics (formerly Invitae), Labcorp
Classification: Uncertain significance. Last evaluated: 2026-01-28. Review status: criteria provided, single submitter. Criteria: Invitae Variant Classification Sherloc (09022015). Collection method: clinical testing. Allele origin: germline.
Comment: This sequence change replaces arginine, which is basic and polar, with histidine, which is basic and polar, at codon 1932 of the POLE protein (p.Arg1932His). This variant is present in population databases (rs778190944, gnomAD 0.009%). This variant has not been reported in the literature in individuals affected with POLE-related conditions. ClinVar contains an entry for this variant (Variation ID: 405889). Invitae Evidence Modeling of protein sequence and biophysical properties (such as structural, functional, and spatial information, amino acid conservation, physicochemical variation, residue mobility, and thermodynamic stability) indicates that this missense variant is not expected to disrupt POLE protein function with a negative predictive value of 80%. In summary, the available evidence is currently insufficient to determine the role of this variant in disease. Therefore, it has been classified as a Variant of Uncertain Significance.

Institute for Biomarker Research, Medical Diagnostic Laboratories, L.L.C.
Classification: Uncertain significance for Hereditary cancer-predisposing syndrome. Last evaluated: 2024-12-23. Review status: criteria provided, single submitter. Criteria: ACMG Guidelines, 2015. Collection method: clinical testing. Allele origin: germline.
Comment: The missense variant NM_006231.4(POLE):c.5795G>A (p.Arg1932His) has not been reported previously as a pathogenic variant nor as a benign variant, to our knowledge. There is a small physicochemical difference between arginine and histidine, which is not likely to impact secondary protein structure as these residues share similar properties. For these reasons, this variant has been classified as Uncertain Significance.

Ambry Genetics
Classification: Likely benign for Hereditary cancer-predisposing syndrome. Last evaluated: 2024-12-03. Review status: criteria provided, single submitter. Criteria: Ambry Variant Classification Scheme 2023. Collection method: clinical testing. Allele origin: germline.

GeneDx
Classification: Uncertain significance. Last evaluated: 2024-04-24. Review status: criteria provided, single submitter. Criteria: GeneDx Variant Classification Process June 2021. Collection method: clinical testing. Allele origin: germline. Affected: yes.
Comment: Not observed at significant frequency in large population cohorts (gnomAD); In silico analysis supports that this missense variant does not alter protein structure/function; Has not been previously published as pathogenic or benign to our knowledge; This variant is associated with the following publications: (PMID: 25957691)

PreventionGenetics, part of Exact Sciences
Classification: Uncertain significance for POLE-related condition. Last evaluated: 2024-08-29. Review status: no assertion criteria provided. Collection method: clinical testing. Allele origin: germline. Not counted in ClinVar's aggregate classification.
Comment: The POLE c.5795G>A variant is predicted to result in the amino acid substitution p.Arg1932His. To our knowledge, this variant has not been reported in the literature. This variant is reported in 0.0087% of alleles in individuals of Latino descent in gnomAD. This variant has an interpretation of uncertain significance in ClinVar. At this time, the clinical significance of this variant is uncertain due to the absence of conclusive functional and genetic evidence.

NM_006231.4(POLE):c.5795G>A (p.Arg1932His)

Gene: POLE (DNA polymerase epsilon, catalytic subunit; minus strand). Cytogenetic location: 12q24.33.
Variant type: single nucleotide variant.
Coding change: c.5795G>A on transcript NM_006231.4 (MANE Select); coding-DNA position 5795, G replaced by A.
Protein change: p.Arg1932His; replaces arginine 1932 with histidine.
Molecular consequence: missense variant.
Genome position (GRCh38, 1-based): chr12:132,635,908, C>T on the plus strand (G>A on the coding strand, the complement: POLE is on the minus strand). VCF-style: chr12-132635908-C-T. GRCh37 (hg19) VCF-style: chr12-133212494-C-T.
Other names: short protein forms R1932H.
Identifiers: ClinVar variation 405889 (VCV000405889.16), dbSNP rs778190944, ClinGen allele CA6892396.